The following is an entry in ClinVar:

NM_001382241.1(TNPO2):c.241T>G (p.Phe81Val)

Gene: TNPO2 (transportin 2; minus strand). Cytogenetic location: 19p13.13.
Variant type: single nucleotide variant.
Coding change: c.241T>G on transcript NM_001382241.1 (MANE Select); coding-DNA position 241, T replaced by G.
Protein change: p.Phe81Val; replaces phenylalanine 81 with valine.
Molecular consequence: missense variant. On other transcripts: non-coding transcript variant (6).
Genome position (GRCh38, 1-based): chr19:12,719,113, A>C on the plus strand (T>G on the coding strand, the complement: TNPO2 is on the minus strand). VCF-style: chr19-12719113-A-C. GRCh37 (hg19) VCF-style: chr19-12829927-A-C.
Other names: c.241T>G, p.Phe81Val (NM_001136195.2, NM_001136196.2, NM_001382236.1 and 7 more transcripts); short protein forms F81V.
Identifiers: ClinVar variation 4540151 (VCV004540151.1).

ClinVar aggregate classification (germline): Uncertain significance (1 of 4 stars; one submission).

Submission:

GeneDx
Classification: Uncertain significance. Last evaluated: 2025-06-25. Review status: criteria provided, single submitter. Criteria: GeneDx Variant Classification Process June 2021. Collection method: clinical testing. Allele origin: germline. Affected: yes.
Comment: Not observed at significant frequency in large population cohorts (gnomAD); In silico analysis supports that this missense variant has a deleterious effect on protein structure/function; Has not been previously published as pathogenic or benign to our knowledge